The following is an entry in ClinVar:

ClinVar aggregate classification (germline): Uncertain significance (1 of 4 stars; one submission).

Submission:

Women's Health and Genetics/Laboratory Corporation of America, LabCorp
Classification: Uncertain significance. Last evaluated: 2024-05-09. Review status: criteria provided, single submitter. Criteria: LabCorp Variant Classification Summary - May 2015. Collection method: clinical testing. Allele origin: germline.
Comment: Variant summary: SP7 c.*7dupT is located in the untranslated mRNA region downstream of the termination codon. The variant allele was found at a frequency of 4.8e-05 in 228918 control chromosomes. This frequency is not significantly higher than estimated for a pathogenic variant in SP7 causing Osteogenesis Imperfecta Type 12, allowing no conclusion about variant significance. To our knowledge, no occurrence of c.*7dupT in individuals affected with Osteogenesis Imperfecta Type 12 and no experimental evidence demonstrating its impact on protein function have been reported. No submitters have cited clinical-significance assessments for this variant to ClinVar. Based on the evidence outlined above, the variant was classified as uncertain significance.

NM_001173467.3(SP7):c.*7dup

Gene: SP7 (Sp7 transcription factor; minus strand). Cytogenetic location: 12q13.13.
Variant type: Duplication.
Coding change: c.*7dup on transcript NM_001173467.3 (MANE Select); 7 bases downstream of the stop codon, one base duplicated (T; older notation c.*7dupT).
Molecular consequence: 3 prime UTR variant.
Genome position (GRCh38, 1-based): chr12:53,328,139, A duplicated on the plus strand (T on the coding strand, the reverse complement: SP7 is on the minus strand). VCF-style (leftmost placement, unchanged base first): chr12-53328138-C-CA. GRCh37 (hg19) VCF-style: chr12-53721922-C-CA.
Other names: c.*7dup (NM_001300837.2, NM_152860.2); c.*7dupT (NM_001173467.3).
Identifiers: ClinVar variation 3336060 (VCV003336060.1).